The following is an entry in ClinVar:

NM_031372.4(HNRNPDL):c.766T>A (p.Phe256Ile)

Gene: HNRNPDL (heterogeneous nuclear ribonucleoprotein D like; minus strand). Cytogenetic location: 4q21.22.
Variant type: single nucleotide variant.
Coding change: c.766T>A on transcript NM_031372.4 (MANE Select); coding-DNA position 766, T replaced by A.
Protein change: p.Phe256Ile; replaces phenylalanine 256 with isoleucine.
Molecular consequence: missense variant. On other transcripts: non-coding transcript variant (1).
Genome position (GRCh38, 1-based): chr4:82,428,026, A>T on the plus strand (T>A on the coding strand, the complement: HNRNPDL is on the minus strand). VCF-style: chr4-82428026-A-T. GRCh37 (hg19) VCF-style: chr4-83349179-A-T.
Other names: c.766T>A, p.Phe256Ile (NM_001207000.1); short protein forms F256I.
Identifiers: ClinVar variation 952962 (VCV000952962.1), dbSNP rs1721491421, ClinGen allele CA357170477.
Genomic context (GRCh38, chr4:82,428,026, plus strand): 5'-TGAACATTTTATAAACACATCAAGCTTAACATGTGTAAACATAATCACACACCTCTCCAA[A>T]GGCTCCAAAATATTCTTTAATTTGTTCTTCAGAAGTATCCGGGCTCAATCCACCCACAAA-3'
Protein context (NP_112740.1, residues 246-266): EEQIKEYFGA[Phe256Ile]GEIENIELPM

ClinVar aggregate classification (germline): Uncertain significance (1 of 4 stars; one submission).

Conditions:
Autosomal dominant limb-girdle muscular dystrophy type 1G (LGMDD3). Also called: Limb-girdle muscular dystrophy, type 1G; MUSCULAR DYSTROPHY, LIMB-GIRDLE, AUTOSOMAL DOMINANT 3. Identifiers: Orphanet 55596, MedGen C1836765, MONDO:0012193, OMIM 609115.

Submission:

Labcorp Genetics (formerly Invitae), Labcorp
Classification: Uncertain significance for Limb-girdle muscular dystrophy, type 1G. Last evaluated: 2019-05-18. Review status: criteria provided, single submitter. Criteria: Invitae Variant Classification Sherloc (09022015). Collection method: clinical testing. Allele origin: germline.
Comment: This sequence change replaces phenylalanine with isoleucine at codon 256 of the HNRNPDL protein (p.Phe256Ile). The phenylalanine residue is highly conserved and there is a small physicochemical difference between phenylalanine and isoleucine. This variant is not present in population databases (ExAC no frequency). This variant has not been reported in the literature in individuals with HNRNPDL-related conditions. Algorithms developed to predict the effect of missense changes on protein structure and function are either unavailable or do not agree on the potential impact of this missense change (SIFT: "Deleterious"; PolyPhen-2: "Probably Damaging"; Align-GVGD: "Class C15"). In summary, the available evidence is currently insufficient to determine the role of this variant in disease. Therefore, it has been classified as a Variant of Uncertain Significance.